The following is an entry in ClinVar:

ClinVar aggregate classification (germline): Uncertain significance (1 of 4 stars; one submission).

Submission:

Dasa
Classification: Uncertain significance. Last evaluated: 2024-12-10. Review status: criteria provided, single submitter. Criteria: DASA Assertion Criteria. Collection method: clinical testing. Allele origin: germline.
Comment: NM_004606.5(TAF1):c.763G>A (p.Val255Ile) is a missense variant that results in the substitution of valine with isoleucine. This variant is absent from population databases. Computational prediction algorithms are consistent with a benign effect. The currently available literature and clinical evidence are not sufficient to establish a definitive association between this variant and the reported condition. Therefore, this variant is classified as a variant of uncertain significance.

NM_004606.5(TAF1):c.763G>A (p.Val255Ile)

Gene: TAF1 (TATA-box binding protein associated factor 1; plus strand). Cytogenetic location: Xq13.1.
Variant type: single nucleotide variant.
Coding change: c.763G>A on transcript NM_004606.5 (MANE Select); coding-DNA position 763, G replaced by A.
Protein change: p.Val255Ile; replaces valine 255 with isoleucine.
Molecular consequence: missense variant. On other transcripts: non-coding transcript variant (9).
Genome position (GRCh38, 1-based): chrX:71,377,651, G>A. VCF-style: chrX-71377651-G-A. GRCh37 (hg19) VCF-style: chrX-70597501-G-A.
Other names: c.763G>A, p.Val255Ile (NM_001286074.2, NM_001440852.1, NM_001440853.1); c.700G>A, p.Val234Ile (NM_001440854.1, NM_138923.4); short protein forms V234I, V255I.
Identifiers: ClinVar variation 4882449 (VCV004882449.2).